The following is an entry in ClinVar:

ClinVar aggregate classification (germline): Conflicting classifications of pathogenicity. Review status: criteria provided, conflicting classifications (1 of 4 stars). 2 submissions from 2 submitters: Uncertain significance (1); Likely benign (1). Last evaluated 2025-11-11.

Conditions:
Intellectual disability. Also called: Intellectual functioning disability; intellectual disabilities; Intellectual developmental disorder. Identifiers: MedGen C3714756, MeSH D008607, MONDO:0001071, HP:0001249.

Submissions (2):

Clinical Genetics Laboratory, Skane University Hospital Lund
Classification: Likely benign. Last evaluated: 2025-11-11. Review status: criteria provided, single submitter. Criteria: ACMG Guidelines, 2015. Collection method: clinical testing. Allele origin: germline. Affected: yes.
Comment: 19 homoplasmic i gnomAD v4.1.0 (BS2); MitoMap APOGEE2: 0.173 (BP4)

Cambridge Genomics Laboratory, East Genomic Laboratory Hub, NHS Genomic Medicine Service
Classification: Uncertain significance for Intellectual disability. Last evaluated: 2020-03-30. Review status: criteria provided, single submitter. Criteria: ACGS Best Practice Guidelines for Variant Classification in Rare Disease 2020. Collection method: clinical testing. Allele origin: germline. Affected: yes. Observed: 1 variant allele.

NC_012920.1(MT-CO3):m.9655G>A

Gene: MT-CO3 (mitochondrially encoded cytochrome c oxidase III; plus strand).
Variant type: single nucleotide variant.
Genome position: chrM-9655-G-A.
Identifiers: ClinVar variation 3337315 (VCV003337315.3).